The following is an entry in ClinVar:

NM_003327.4(TNFRSF4):c.370+3G>A

Gene: TNFRSF4 (TNF receptor superfamily member 4; minus strand). Cytogenetic location: 1p36.33.
Variant type: single nucleotide variant.
Coding change: c.370+3G>A on transcript NM_003327.4 (MANE Select); 3 bases into the intron after coding-DNA position 370, G replaced by A.
Molecular consequence: intron variant.
Genome position (GRCh38, 1-based): chr1:1,212,989, C>T on the plus strand (G>A on the coding strand, the complement: TNFRSF4 is on the minus strand). VCF-style: chr1-1212989-C-T. GRCh37 (hg19) VCF-style: chr1-1148369-C-T.
Identifiers: ClinVar variation 1406319 (VCV001406319.6), dbSNP rs774670634, ClinGen allele CA512518.

ClinVar aggregate classification (germline): Uncertain significance (1 of 4 stars; one submission).

Conditions:
Combined immunodeficiency due to OX40 deficiency. Also called: OX40 DEFICIENCY; Immunodeficiency 16. Identifiers: Orphanet 431149, MedGen C3810053, MONDO:0014268, OMIM 615593.

Allele frequency attached by ClinVar (database versions not stated): gnomAD exomes below 0.00001 and 0.00002; TOPMed 0.00001; ExAC 0.00002.
gnomAD v4.1: 5 of 1,609,520 alleles (0.00031%); highest among the groups gnomAD compares: Admixed American, 0.0067%; no homozygotes.

Submission:

Labcorp Genetics (formerly Invitae), Labcorp
Classification: Uncertain significance for Combined immunodeficiency due to OX40 deficiency. Last evaluated: 2025-12-11. Review status: criteria provided, single submitter. Criteria: Invitae Variant Classification Sherloc (09022015). Collection method: clinical testing. Allele origin: germline.
Comment: This sequence change falls in intron 3 of the TNFRSF4 gene. It does not directly change the encoded amino acid sequence of the TNFRSF4 protein. It affects a nucleotide within the consensus splice site. This variant is present in population databases (rs774670634, gnomAD 0.01%). This variant has not been reported in the literature in individuals affected with TNFRSF4-related conditions. ClinVar contains an entry for this variant (Variation ID: 1406319). Variants that disrupt the consensus splice site are a relatively common cause of aberrant splicing (PMID: 17576681, 9536098). Algorithms developed to predict the effect of sequence changes on RNA splicing suggest that this variant is not likely to affect RNA splicing. In summary, the available evidence is currently insufficient to determine the role of this variant in disease. Therefore, it has been classified as a Variant of Uncertain Significance.

Literature cited by the submitters: PubMed 17576681; PubMed 9536098.